The following is an entry in ClinVar:

ClinVar aggregate classification (germline): Likely pathogenic. Review status: criteria provided, multiple submitters, no conflicts (2 of 4 stars). 2 submissions from 2 submitters: Likely pathogenic (2). Last evaluated 2021-09-01.

Conditions:
Myopia 25, autosomal dominant (MYP25). Identifiers: MedGen C4310655, MONDO:0014982, OMIM 617238.
High myopia, early-onset. Identifiers: MedGen C5394216.

Submissions (2):

Ophthalmic Genetics and Bioinformatics Laboratory, Shanghai Puxi and Light Genomics Technology Co., Ltd.
Classification: Likely pathogenic for High myopia, early-onset. Last evaluated: 2021-09-01. Review status: criteria provided, single submitter. Criteria: Standards And Guidelines For The Interpretation Of Sequence Variants. Collection method: clinical testing. Allele origin: maternal. Affected: yes.

Ningxia Clinical Research Institute, People's Hospital of Ningxia Hui Autonomous Region
Classification: Likely pathogenic for Myopia 25, autosomal dominant. Review status: criteria provided, single submitter. Criteria: ACMG Guidelines, 2015. Collection method: clinical testing. Allele origin: inherited. Inheritance: Autosomal dominant inheritance with maternal imprinting. Affected: yes.
Comment: ACMG guidelines: 1. 2. The variant has not been previously reported and is absent from 1000 Genomes, ESP6500, ExAC_ALL, and ExAC_EAS (PM2_Moderate). 3. Multiple bioinformatics tools predict a damaging effect (PP3_Supporting). 4. Cross-species conservation analysis shows that amino-acid position 701 is highly conserved, indicating that the variant is likely to alter POLA1 structure and function (PP3_Supporting). 5. The proband’s clinical presentation is consistent with high myopia (PP4_Supporting). 6. A certified clinical laboratory has classified the variant as pathogenic (PP5_Supporting). According to the ACMG guidelines, the variant c.2103T>G (p.Ile701Met) of POLA1 gene was classified as likely pathogenic

NM_001330360.2(POLA1):c.2121T>G (p.Ile707Met)

Gene: POLA1 (DNA polymerase alpha 1, catalytic subunit; plus strand). Cytogenetic location: Xp22.11.
Variant type: single nucleotide variant.
Coding change: c.2121T>G on transcript NM_001330360.2 (MANE Select); coding-DNA position 2121, T replaced by G.
Protein change: p.Ile707Met; replaces isoleucine 707 with methionine.
Molecular consequence: missense variant.
Genome position (GRCh38, 1-based): chrX:24,739,455, T>G. VCF-style: chrX-24739455-T-G. GRCh37 (hg19) VCF-style: chrX-24757572-T-G.
Other names: c.2046T>G, p.Ile682Met (NM_001378303.1); c.2121T>G, p.Ile707Met (NM_001440806.1); c.2103T>G, p.Ile701Met (NM_016937.4); short protein forms I682M, I701M, I707M.
Identifiers: ClinVar variation 4082195 (VCV004082195.2).